The following is an entry in ClinVar:

ClinVar aggregate classification (germline): Conflicting classifications of pathogenicity. Review status: criteria provided, conflicting classifications (1 of 4 stars). 6 submissions from 6 submitters: Uncertain significance (5); Likely benign (1). Last evaluated 2026-01-01.

Conditions:
Cardiovascular phenotype. Identifiers: MedGen CN230736.

Allele frequency attached by ClinVar (database versions not stated): TOPMed 0.00001; gnomAD 0.00003 and 0.00004; gnomAD exomes 0.00003.
gnomAD v4.1: 146 of 1,521,094 alleles (0.0096%); highest among the groups gnomAD compares: Non-Finnish European, 0.012%; no homozygotes.

Submissions (6):

CeGaT Center for Human Genetics Tuebingen
Classification: Uncertain significance. Last evaluated: 2026-01-01. Review status: criteria provided, single submitter. Criteria: CeGaT Center For Human Genetics Tuebingen Variant Classification Criteria Version 2. Collection method: clinical testing. Allele origin: germline. Affected: yes. Observed: 1 variant allele.
Comment: ZNF469: PM2

Mayo Clinic Laboratories, Mayo Clinic
Classification: Uncertain significance. Last evaluated: 2025-11-17. Review status: criteria provided, single submitter. Criteria: ACMG Guidelines, 2015. Collection method: clinical testing. Allele origin: germline. Observed: 3 variant alleles.
Comment: BP4_moderate

Women's Health and Genetics/Laboratory Corporation of America, LabCorp
Classification: Uncertain significance. Last evaluated: 2025-07-29. Review status: criteria provided, single submitter. Criteria: LabCorp Variant Classification Summary - May 2015. Collection method: clinical testing. Allele origin: germline.
Comment: Variant summary: ZNF469 c.9960G>T (p.Glu3320Asp) results in a conservative amino acid change in the encoded protein sequence. Algorithms developed to predict the effect of missense changes on protein structure and function all suggest that this variant is likely to be tolerated. The variant allele was found at a frequency of 3.3e-05 in 122680 control chromosomes. The available data on variant occurrences in the general population are insufficient to allow any conclusion about variant significance. To our knowledge, no occurrence of c.9960G>T in individuals affected with Brittle cornea syndrome 1 and no experimental evidence demonstrating its impact on protein function have been reported. ClinVar contains an entry for this variant (Variation ID: 1309126). Based on the evidence outlined above, the variant was classified as uncertain significance.

Labcorp Genetics (formerly Invitae), Labcorp
Classification: Uncertain significance. Last evaluated: 2024-11-03. Review status: criteria provided, single submitter. Criteria: Invitae Variant Classification Sherloc (09022015). Collection method: clinical testing. Allele origin: germline.
Comment: This sequence change replaces glutamic acid, which is acidic and polar, with aspartic acid, which is acidic and polar, at codon 3292 of the ZNF469 protein (p.Glu3292Asp). This variant is present in population databases (no rsID available, gnomAD 0.009%). This variant has not been reported in the literature in individuals affected with ZNF469-related conditions. ClinVar contains an entry for this variant (Variation ID: 1309126). An algorithm developed to predict the effect of missense changes on protein structure and function outputs the following: PolyPhen-2: "Benign". The aspartic acid amino acid residue is found in multiple mammalian species, which suggests that this missense change does not adversely affect protein function. In summary, the available evidence is currently insufficient to determine the role of this variant in disease. Therefore, it has been classified as a Variant of Uncertain Significance.

Ambry Genetics
Classification: Likely benign for Cardiovascular phenotype. Last evaluated: 2024-09-18. Review status: criteria provided, single submitter. Criteria: Ambry Variant Classification Scheme 2023. Collection method: clinical testing. Allele origin: germline.

GeneDx
Classification: Uncertain significance. Last evaluated: 2024-09-16. Review status: criteria provided, single submitter. Criteria: GeneDx Variant Classification Process June 2021. Collection method: clinical testing. Allele origin: germline. Affected: yes.
Comment: Not observed at significant frequency in large population cohorts (gnomAD); In silico analysis indicates that this missense variant does not alter protein structure/function; Reported in one control individual in a study of keratoconus and absent in controls (PMID: 29228253); This variant is associated with the following publications: (PMID: 29228253)

Literature cited by the submitters: PubMed 29228253 (cited by Mayo Clinic Laboratories, Mayo Clinic).

NM_001367624.2(ZNF469):c.9960G>T (p.Glu3320Asp)

Gene: ZNF469 (zinc finger protein 469; plus strand). Cytogenetic location: 16q24.2.
Variant type: single nucleotide variant.
Coding change: c.9960G>T on transcript NM_001367624.2 (MANE Select); coding-DNA position 9960, G replaced by T.
Protein change: p.Glu3320Asp; replaces glutamic acid 3320 with aspartic acid.
Molecular consequence: missense variant.
Genome position (GRCh38, 1-based): chr16:88,437,430, G>T. VCF-style: chr16-88437430-G-T. GRCh37 (hg19) VCF-style: chr16-88503838-G-T.
Other names: NM_001127464.1:c.9876G>T; p.Glu3320Asp; short protein forms E3320D.
Identifiers: ClinVar variation 1309126 (VCV001309126.13), dbSNP rs958260291, ClinGen allele CA286386007.
Genomic context (GRCh38, chr16:88,437,430, plus strand): 5'-CAGCCCGGGCCCCCCCAGGACGACCCCCAGCCCGTCCCCCGACCCCTGGGCCGGCGGGGA[G>T]CCCCTCCTGCAAGCCACCCCGGTGCACGAGGCCTGCAAGGACCCCTCCCGCGACTGCCAC-3'
Protein context (NP_001354553.1, residues 3310-3330): SPSPDPWAGG[Glu3320Asp]PLLQATPVHE